The following is an entry in ClinVar:

NM_182961.4(SYNE1):c.9655G>A (p.Val3219Ile)

Gene: SYNE1 (spectrin repeat containing nuclear envelope protein 1; minus strand). Cytogenetic location: 6q25.2.
Variant type: single nucleotide variant.
Coding change: c.9655G>A on transcript NM_182961.4 (MANE Select); coding-DNA position 9655, G replaced by A.
Protein change: p.Val3219Ile; replaces valine 3219 with isoleucine.
Molecular consequence: missense variant.
Genome position (GRCh38, 1-based): chr6:152,369,124, C>T on the plus strand (G>A on the coding strand, the complement: SYNE1 is on the minus strand). VCF-style: chr6-152369124-C-T. GRCh37 (hg19) VCF-style: chr6-152690259-C-T.
Other names: c.9676G>A, p.Val3226Ile (NM_033071.5); short protein forms V3226I, V3219I.
Identifiers: ClinVar variation 290182 (VCV000290182.47), dbSNP rs140927945, ClinGen allele CA4057251.

ClinVar aggregate classification (germline): Conflicting classifications of pathogenicity. Review status: criteria provided, conflicting classifications (1 of 4 stars). 6 submissions from 6 submitters: Uncertain significance (2); Likely benign (3). 1 of the submissions does not count toward it. Last evaluated 2025-12-23.

Conditions:
SYNE1-related disorder. Also called: SYNE1-related disease; SYNE1-related condition; SYNE1-related disorders.
Emery-Dreifuss muscular dystrophy 4, autosomal dominant (EDMD4). Also called: EMERY-DREIFUSS MUSCULAR DYSTROPHY 4 WITH VARIABLE FEATURES. Identifiers: Orphanet 261, MedGen C2751807, MONDO:0013071, OMIM 612998.
Autosomal recessive ataxia, Beauce type. Also called: SYNE1 Deficiency; SYNE1-Related Autosomal Recessive Cerebellar Ataxia; ATAXIA, RECESSIVE, OF BEAUCE; Spinocerebellar ataxia, autosomal recessive 8. Identifiers: Orphanet 88644, MedGen C1853116, MONDO:0012549, OMIM 610743.

Allele frequency attached by ClinVar (database versions not stated): gnomAD exomes 0.00024; ExAC 0.00030; ESP Exome Variant Server 0.00085; 1000 Genomes Project 30x 0.00094; 1000 Genomes Project 0.00120; gnomAD 0.00121 and 0.00132; TOPMed 0.00141.
gnomAD v4.1: 341 of 1,613,214 alleles (0.021%); highest among the groups gnomAD compares: African/African-American, 0.4%; 1 homozygote.

Submissions (6):

Labcorp Genetics (formerly Invitae), Labcorp
Classification: Likely benign for Emery-Dreifuss muscular dystrophy 4, autosomal dominant; Autosomal recessive ataxia, Beauce type. Last evaluated: 2025-12-23. Review status: criteria provided, single submitter. Criteria: Invitae Variant Classification Sherloc (09022015). Collection method: clinical testing. Allele origin: germline.

Athena Diagnostics
Classification: Likely benign. Last evaluated: 2024-10-29. Review status: criteria provided, single submitter. Criteria: Athena Diagnostics Criteria. Collection method: clinical testing. Allele origin: unknown.

CeGaT Center for Human Genetics Tuebingen
Classification: Likely benign. Last evaluated: 2023-04-01. Review status: criteria provided, single submitter. Criteria: CeGaT Center For Human Genetics Tuebingen Variant Classification Criteria Version 2. Collection method: clinical testing. Allele origin: germline. Affected: yes. Observed: 1 variant allele.
Comment: SYNE1: BS1

GeneDx
Classification: Uncertain significance. Last evaluated: 2018-11-13. Review status: criteria provided, single submitter. Criteria: GeneDx Variant Classification (06012015). Collection method: clinical testing. Allele origin: germline. Affected: yes.
Comment: A variant of uncertain significance has been identified in the SYNE1 gene. The V3226I variant has not been published as a pathogenic variant, nor has it been reported as a benign variant to our knowledge. The V3226I variant is observed in 34/10238 (0.3%) alleles from individuals of African background, in the ExAC dataset (Lek et al., 2016; 1000 Genomes Consortium et al., 2015; Exome Variant Server). The V3226I variant is a conservative amino acid substitution, which is not likely to impact secondary protein structure as these residues share similar properties. This substitution occurs at a position where amino acids with similar properties to Valine are tolerated across species. However, in silico analysis is inconsistent in its predictions as to whether or not the variant is damaging to the protein structure/function. Therefore, based on the currently available information, it is unclear whether this variant is a pathogenic variant or a rare benign variant.

Eurofins Ntd Llc (ga)
Classification: Uncertain significance. Last evaluated: 2018-06-19. Review status: criteria provided, single submitter. Criteria: EGL ClinVar v180209 classification definitions. Collection method: clinical testing. Allele origin: germline. Observed: 6 variant alleles, 6 heterozygotes.

PreventionGenetics, part of Exact Sciences
Classification: Likely benign for SYNE1-related condition. Last evaluated: 2019-04-05. Review status: no assertion criteria provided. Collection method: clinical testing. Allele origin: germline. Not counted in ClinVar's aggregate classification.
Comment: This variant is classified as likely benign based on ACMG/AMP sequence variant interpretation guidelines (Richards et al. 2015 PMID: 25741868, with internal and published modifications).